The following is an entry in ClinVar:

NM_005732.4(RAD50):c.2545_2546insGGCCGGGCGCGGTGGCTCACGCCTGTAATCCCAGCACTTTGGGAGGCCGAGGCGGGTGGATCATGAGGTCAAGAGATCGAGACCATCCTGGCTAACAAGGTGAAACCCCGTCTCTNNNNNNNNNNAAAAAAAAAAAAAAAAAAAAAAGATTGAATTGA (p.Asn849delinsArgProGlyAlaValAlaHisAlaCysAsnProSerThrLeuGlyGlyArgGlyGlyTrpIleMetArgSerArgAspArgAspHisProGlyTer)

Gene: RAD50 (RAD50 double strand break repair protein; plus strand). Cytogenetic location: 5q31.1.
Variant type: Insertion.
Coding change: c.2545_2546insGGCCGGGCGCGGTGGCTCACGCCTGTAATCCCAGCACTTTGGGAGGCCGAGGCGGGTGGATCATGAGGTCAAGAGATCGAGACCATCCTGGCTAACAAGGTGAAACCCCGTCTCTNNNNNNNNNNAAAAAAAAAAAAAAAAAAAAAAGATTGAATTGA on transcript NM_005732.4 (MANE Select); coding-DNA positions 2545 to 2546, GGCCGGGCGCGGTGGCTCACGCCTGTAATCCCAGCACTTTGGGAGGCCGAGGCGGGTGGATCATGAGGTCAAGAGATCGAGACCATCCTGGCTAACAAGGTGAAACCCCGTCTCTNNNNNNNNNNAAAAAAAAAAAAAAAAAAAAAAGATTGAATTGA inserted.
Protein change: p.Asn849delinsArgProGlyAlaValAlaHisAlaCysAsnProSerThrLeuGlyGlyArgGlyGlyTrpIleMetArgSerArgAspArgAspHisProGlyTer.
Molecular consequence: nonsense.
Genome position: GRCh38: chr5:132,604,826-132,604,827. GRCh37 (hg19): chr5:131,940,518-131,940,519.
Identifiers: ClinVar variation 1072775 (VCV001072775.7), dbSNP rs2149847704.

ClinVar aggregate classification (germline): Pathogenic (1 of 4 stars; one submission).

Conditions:
Hereditary cancer-predisposing syndrome. Also called: Tumor predisposition; Hereditary neoplastic syndrome; Neoplastic Syndromes, Hereditary; Hereditary Cancer Syndrome. Identifiers: Orphanet 140162, MedGen C0027672, MeSH D009386, MONDO:0015356.

Submission:

Labcorp Genetics (formerly Invitae), Labcorp
Classification: Pathogenic for Hereditary cancer-predisposing syndrome. Last evaluated: 2025-11-03. Review status: criteria provided, single submitter. Criteria: Invitae Variant Classification Sherloc (09022015). Collection method: clinical testing. Allele origin: germline.
Comment: This sequence change inserts a large fragment of DNA, likely a transposable element, in exon 16 of the RAD50 gene (c.2545_2546ins?), causing a frameshift at codon 849 (p.Asn849fs). The exact size and sequence of the insertion cannot be determined by the current assay. However, the insertion is expected to result in an absent or disrupted protein product. This variant is not present in population databases (gnomAD no frequency). This variant has not been reported in the literature in individuals affected with RAD50-related conditions. ClinVar contains an entry for this variant (Variation ID: 1072775). Retrotransposon insertions including LINE1 (L1), Alu, and SVA (SINE-VNTR-Alu) have been reported to be disease-causing through disruption of either a coding region or splice site (PMID: 19763152, 20307669, 22406018) and loss-of-function variants in RAD50 are known to be pathogenic (PMID: 19409520). For these reasons, this variant has been classified as Pathogenic.

Literature cited by the submitters: PubMed 19763152; PubMed 20307669; PubMed 22406018; PubMed 19409520.